The following is an entry in ClinVar:

ClinVar aggregate classification (germline): Uncertain significance (1 of 4 stars; one submission).

Conditions:
Developmental and epileptic encephalopathy, 30 (DEE30). Also called: Epileptic encephalopathy, early infantile, 30. Identifiers: MedGen C4225360, MONDO:0014595, OMIM 616341.

Submission:

Labcorp Genetics (formerly Invitae), Labcorp
Classification: Uncertain significance for Developmental and epileptic encephalopathy, 30. Last evaluated: 2023-11-27. Review status: criteria provided, single submitter. Criteria: Invitae Variant Classification Sherloc (09022015). Collection method: clinical testing. Allele origin: germline.
Comment: This sequence change replaces glycine, which is neutral and non-polar, with arginine, which is basic and polar, at codon 639 of the SIK1 protein (p.Gly639Arg). This variant is not present in population databases (gnomAD no frequency). This variant has not been reported in the literature in individuals affected with SIK1-related conditions. Advanced modeling of protein sequence and biophysical properties (such as structural, functional, and spatial information, amino acid conservation, physicochemical variation, residue mobility, and thermodynamic stability) performed at Invitae indicates that this missense variant is not expected to disrupt SIK1 protein function with a negative predictive value of 95%. In summary, the available evidence is currently insufficient to determine the role of this variant in disease. Therefore, it has been classified as a Variant of Uncertain Significance.

NM_173354.5(SIK1):c.1915G>C (p.Gly639Arg)

Gene: SIK1 (salt inducible kinase 1; minus strand). Cytogenetic location: 21q22.3.
Variant type: single nucleotide variant.
Coding change: c.1915G>C on transcript NM_173354.5 (MANE Select); coding-DNA position 1915, G replaced by C.
Protein change: p.Gly639Arg; replaces glycine 639 with arginine.
Molecular consequence: missense variant.
Genome position (GRCh38, 1-based): chr21:43,417,604, C>G on the plus strand (G>C on the coding strand, the complement: SIK1 is on the minus strand). VCF-style: chr21-43417604-C-G. GRCh37 (hg19) VCF-style: chr21-44837484-C-G.
Other names: short protein forms G639R.
Identifiers: ClinVar variation 2743071 (VCV002743071.3), dbSNP rs780476959, ClinGen allele CA410607044.